The following is an entry in ClinVar:

ClinVar aggregate classification (germline): Uncertain significance. Review status: criteria provided, multiple submitters, no conflicts (2 of 4 stars). 2 submissions from 2 submitters: Uncertain significance (2). Last evaluated 2026-06-26.

Conditions:
Gastrointestinal stromal tumor. Also called: Gastrointestinal stromal tumor, somatic; Gastrointestinal stroma tumor. Identifiers: Orphanet 44890, MedGen C0238198, MeSH D046152, MONDO:0011719, OMIM 606764, HP:0100723.
Pheochromocytoma/paraganglioma syndrome 4. Also called: PARAGANGLIOMA, FAMILIAL MALIGNANT; PARAGANGLIOMAS, HEREDITARY EXTRAADRENAL; PHEOCHROMOCYTOMA, FAMILIAL EXTRAADRENAL; SDHB-Related Hereditary Paraganglioma-Pheochromocytoma Syndrome (Paragangliomas 4); SDHB-Related Hereditary Paraganglioma-Pheochromocytoma Syndrome; Paragangliomas 4. Identifiers: Orphanet 29072, MedGen C1861848, MONDO:0007273, OMIM 115310.
Pheochromocytoma. Also called: MAX-Related Hereditary Paraganglioma-Pheochromocytoma Syndrome. Identifiers: Orphanet 29072, MedGen C0031511, MONDO:0008233, OMIM 171300, HP:0002666.
Hereditary cancer-predisposing syndrome. Also called: Neoplastic Syndromes, Hereditary; Hereditary Cancer Syndrome; Tumor predisposition; Hereditary neoplastic syndrome. Identifiers: Orphanet 140162, MedGen C0027672, MeSH D009386, MONDO:0015356.

Allele frequency attached by ClinVar (database versions not stated): gnomAD exomes below 0.00001; ExAC 0.00001.
gnomAD v4.1: 2 of 1,613,962 alleles (0.00012%); highest among the groups gnomAD compares: Admixed American, 0.0033%; no homozygotes.

Submissions (2):

Ambry Genetics
Classification: Uncertain significance for Hereditary cancer-predisposing syndrome. Last evaluated: 2026-06-26. Review status: criteria provided, single submitter. Criteria: Ambry Variant Classification Scheme 2023. Collection method: clinical testing. Allele origin: germline.
Comment: The p.I79F variant (also known as c.235A>T), located in coding exon 3 of the SDHB gene, results from an A to T substitution at nucleotide position 235. The isoleucine at codon 79 is replaced by phenylalanine, an amino acid with highly similar properties. Functional studies suggest I79F showed WT-like functional rescue; however, the physiological relevance of this finding is unclear (Lee S et al. J Clin Invest, 2026 Feb;136:). This amino acid position is conserved. In addition, this alteration is predicted to be deleterious by in silico analysis. Based on the available evidence, the clinical significance of this variant remains unclear.

Labcorp Genetics (formerly Invitae), Labcorp
Classification: Uncertain significance for Gastrointestinal stromal tumor; Pheochromocytoma/paraganglioma syndrome 4; Pheochromocytoma. Last evaluated: 2024-11-18. Review status: criteria provided, single submitter. Criteria: Invitae Variant Classification Sherloc (09022015). Collection method: clinical testing. Allele origin: germline.
Comment: This sequence change replaces isoleucine, which is neutral and non-polar, with phenylalanine, which is neutral and non-polar, at codon 79 of the SDHB protein (p.Ile79Phe). This variant is present in population databases (rs771524558, gnomAD 0.003%). This variant has not been reported in the literature in individuals affected with SDHB-related conditions. ClinVar contains an entry for this variant (Variation ID: 949539). Invitae Evidence Modeling of protein sequence and biophysical properties (such as structural, functional, and spatial information, amino acid conservation, physicochemical variation, residue mobility, and thermodynamic stability) indicates that this missense variant is expected to disrupt SDHB protein function with a positive predictive value of 80%. In summary, the available evidence is currently insufficient to determine the role of this variant in disease. Therefore, it has been classified as a Variant of Uncertain Significance.

Literature cited by the submitters: PubMed 41252211 (cited by Ambry Genetics).

NM_003000.3(SDHB):c.235A>T (p.Ile79Phe)

Gene: SDHB (succinate dehydrogenase complex iron sulfur subunit B; minus strand). Cytogenetic location: 1p36.13.
Variant type: single nucleotide variant.
Coding change: c.235A>T on transcript NM_003000.3 (MANE Select); coding-DNA position 235, A replaced by T.
Protein change: p.Ile79Phe; replaces isoleucine 79 with phenylalanine.
Molecular consequence: missense variant.
Genome position (GRCh38, 1-based): chr1:17,033,111, T>A on the plus strand (A>T on the coding strand, the complement: SDHB is on the minus strand). VCF-style: chr1-17033111-T-A. GRCh37 (hg19) VCF-style: chr1-17359606-T-A.
Other names: short protein forms I79F.
Identifiers: ClinVar variation 949539 (VCV000949539.11), dbSNP rs771524558, ClinGen allele CA089551.